The following is an entry in ClinVar:

ClinVar aggregate classification (germline): Conflicting classifications of pathogenicity. Review status: criteria provided, conflicting classifications (1 of 4 stars). 3 submissions from 3 submitters: Uncertain significance (1); Likely benign (2). Last evaluated 2025-12-30.

Conditions:
Inborn genetic diseases. Identifiers: MedGen C0950123, MeSH D030342.

gnomAD v4.1: 21 of 1,613,226 alleles (0.0013%); highest among the groups gnomAD compares: Admixed American, 0.0033%; no homozygotes.

Submissions (3):

Women's Health and Genetics/Laboratory Corporation of America, LabCorp
Classification: Uncertain significance. Last evaluated: 2025-12-30. Review status: criteria provided, single submitter. Criteria: LabCorp Variant Classification Summary - May 2015. Collection method: clinical testing. Allele origin: germline.
Comment: Variant summary: NIPBL c.1552A>G (p.Thr518Ala) results in a non-conservative amino acid change in the encoded protein sequence. Algorithms developed to predict the effect of missense changes on protein structure and function are either unavailable or do not agree on the potential impact of this missense change. The variant allele was found at a frequency of 2.4e-05 in 250652 control chromosomes. The available data on variant occurrences in the general population are insufficient to allow any conclusion about variant significance. To our knowledge, no occurrence of c.1552A>G in individuals affected with NIPBL-related conditions and no experimental evidence demonstrating its impact on protein function have been reported. ClinVar contains an entry for this variant (Variation ID: 4120090). Based on the evidence outlined above, the variant was classified as uncertain significance.

Ambry Genetics
Classification: Likely benign for Inborn genetic diseases. Last evaluated: 2025-08-24. Review status: criteria provided, single submitter. Criteria: Ambry Variant Classification Scheme 2023. Collection method: clinical testing. Allele origin: germline.

Blueprint Genetics
Classification: Likely benign. Last evaluated: 2022-08-09. Review status: criteria provided, single submitter. Criteria: ACMG Guidelines, 2015. Collection method: clinical testing. Allele origin: germline.

NM_133433.4(NIPBL):c.1552A>G (p.Thr518Ala)

Gene: NIPBL (NIPBL cohesin loading factor; plus strand). Cytogenetic location: 5p13.2.
Variant type: single nucleotide variant.
Coding change: c.1552A>G on transcript NM_133433.4 (MANE Select); coding-DNA position 1552, A replaced by G.
Protein change: p.Thr518Ala; replaces threonine 518 with alanine.
Molecular consequence: missense variant.
Genome position (GRCh38, 1-based): chr5:36,984,732, A>G. VCF-style: chr5-36984732-A-G. GRCh37 (hg19) VCF-style: chr5-36984834-A-G.
Other names: c.1552A>G, p.Thr518Ala (NM_001438586.1, NM_015384.5); short protein forms T518A.
Identifiers: ClinVar variation 4120090 (VCV004120090.3).